The following is an entry in ClinVar:

NM_007294.4(BRCA1):c.3893C>G (p.Ser1298Ter)

Genes: BRCA1 (BRCA1 DNA repair associated; minus strand), LOC126862571 (BRD4-independent group 4 enhancer GRCh37_chr17:41243136-41244335; plus strand). Cytogenetic location: 17q21.31.
Variant type: single nucleotide variant.
Coding change: c.3893C>G on transcript NM_007294.4 (MANE Select); coding-DNA position 3893, C replaced by G.
Protein change: p.Ser1298Ter; replaces serine 1298 with a stop codon.
Molecular consequence: nonsense. On other transcripts: intron variant (135).
Genome position (GRCh38, 1-based): chr17:43,091,638, G>C on the plus strand (C>G on the coding strand, the complement: BRCA1 is on the minus strand). VCF-style: chr17-43091638-G-C. GRCh37 (hg19) VCF-style: chr17-41243655-G-C.
Other names: c.3680C>G, p.Ser1227Ter (NM_001407571.1, NM_001407853.1, NM_001407894.1 and 9 more transcripts); c.3893C>G, p.Ser1298Ter (NM_001407581.1, NM_001407582.1, NM_001407583.1 and 30 more transcripts); c.3890C>G, p.Ser1297Ter (NM_001407587.1, NM_001407590.1, NM_001407591.1 and 22 more transcripts); c.3884C>G, p.Ser1295Ter (NM_001407646.1, NM_001407647.1); c.3770C>G, p.Ser1257Ter (NM_001407648.1, NM_001407664.1, NM_001407665.1 and 19 more transcripts); c.3767C>G, p.Ser1256Ter (NM_001407649.1, NM_001407670.1, NM_001407671.1 and 11 more transcripts); c.3815C>G, p.Ser1272Ter (NM_001407653.1, NM_001407654.1, NM_001407655.1 and 4 more transcripts); c.3812C>G, p.Ser1271Ter (NM_001407659.1, NM_001407660.1, NM_001407661.1 and 1 more transcripts); and 41 more; short protein forms S1298*, S1251*, S1171*, S1210*, S1227*, S1228*, S1250*, S1170*.
Identifiers: ClinVar variation 240798 (VCV000240798.10), dbSNP rs80357440, ClinGen allele CA10583564.
Genomic context (GRCh38, chr17:43,091,638, plus strand): 5'-ATCAAGAAAGGATCCTGGGTGTTTGTATTTGCAGTCAAGTCTTCCAATTCACTGCACTGT[G>C]AAGAAAACAAGCTAGCAGAACATTTTGTTTCCTCACTAAGGTGATGTTCCTGAGATGCCT-3'

ClinVar aggregate classification (germline): Pathogenic. Review status: reviewed by expert panel (3 of 4 stars). 2 submissions from 2 submitters: Pathogenic (1). 1 of the submissions does not count toward it. Last evaluated 2017-12-15.

Conditions:
Hereditary breast ovarian cancer syndrome. Also called: Hereditary breast and ovarian cancer syndrome (HBOC); Breast and ovarian cancer; Hereditary breast and ovarian cancer syndrome; Hereditary breast and ovarian cancer; BRCA1- and BRCA2-Associated Hereditary Breast and Ovarian Cancer; Hereditary breast and/or ovarian cancer syndrome. Identifiers: Orphanet 145, MedGen C0677776, MeSH D061325, MONDO:0003582. Disease mechanism: loss of function.
Breast-ovarian cancer, familial, susceptibility to, 1 (BROVCA1). Also called: BRCA1 Hereditary Breast and Ovarian Cancer; OVARIAN CANCER, SUSCEPTIBILITY TO. Identifiers: Orphanet 145, MedGen C2676676, MONDO:0011450, OMIM 604370. Disease mechanism: loss of function.

Submissions (2):

Evidence-based Network for the Interpretation of Germline Mutant Alleles (ENIGMA)
Classification: Pathogenic for Breast-ovarian cancer, familial, susceptibility to, 1. Last evaluated: 2017-12-15. Review status: reviewed by expert panel. Criteria: ENIGMA BRCA1/2 Classification Criteria (2017-06-29). Collection method: curation. Allele origin: germline. Study: ENIGMA.
Comment: Variant allele predicted to encode a truncated non-functional protein.

Labcorp Genetics (formerly Invitae), Labcorp
Classification: Pathogenic for Hereditary breast ovarian cancer syndrome. Last evaluated: 2017-01-31. Review status: criteria provided, single submitter. Criteria: Invitae Variant Classification Sherloc (09022015). Collection method: clinical testing. Allele origin: germline. Not counted in ClinVar's aggregate classification.
Comment: This sequence change creates a premature translational stop signal at codon 1298 (p.Ser1298*). It is expected to result in an absent or disrupted protein product. While this particular variant has not been reported in the literature, loss-of-function variants in BRCA1 are known to be pathogenic (PMID: 20104584). A different variant (c.3893C>A, also known as 4012C>A in the literature) giving rise to the same protein effect observed here (p.Ser1298*) has been reported in an individual with ovarian cancer (PMID: 26541979, and an individual with a family history of breast and ovarian cancer (PMID: 11802209). For these reasons, this variant has been classified as Pathogenic.

Literature cited by the submitters: PubMed 20104584 (cited by Labcorp Genetics (formerly Invitae), Labcorp); PubMed 26541979 (cited by Labcorp Genetics (formerly Invitae), Labcorp); PubMed 11802209 (cited by Labcorp Genetics (formerly Invitae), Labcorp).